The following is an entry in ClinVar:

NM_178452.6(DNAAF1):c.2134C>G (p.Pro712Ala)

Gene: DNAAF1 (dynein axonemal assembly factor 1; plus strand). Cytogenetic location: 16q24.1.
Variant type: single nucleotide variant.
Coding change: c.2134C>G on transcript NM_178452.6 (MANE Select); coding-DNA position 2134, C replaced by G.
Protein change: p.Pro712Ala; replaces proline 712 with alanine.
Molecular consequence: missense variant.
Genome position (GRCh38, 1-based): chr16:84,177,797, C>G. VCF-style: chr16-84177797-C-G. GRCh37 (hg19) VCF-style: chr16-84211403-C-G.
Other names: c.1426C>G, p.Pro476Ala (NM_001318756.1); short protein forms P712A, P476A.
Identifiers: ClinVar variation 242164 (VCV000242164.27), dbSNP rs4150187, ClinGen allele CA8203180.

ClinVar aggregate classification (germline): Benign/Likely benign. Review status: criteria provided, multiple submitters, no conflicts (2 of 4 stars). 8 submissions from 8 submitters: Benign (5); Likely benign (3). Last evaluated 2026-02-01.

Conditions:
Primary ciliary dyskinesia. Also called: Ciliary dyskinesia. Identifiers: Orphanet 244, MedGen C0008780, MONDO:0016575, HP:0012265.
Primary ciliary dyskinesia 13. Also called: CILIARY DYSKINESIA, PRIMARY, 13, WITH OR WITHOUT SITUS INVERSUS. Identifiers: Orphanet 244, MedGen C2750790, MONDO:0013174, OMIM 613193.

Allele frequency attached by ClinVar (database versions not stated): gnomAD exomes 0.00082 and 0.00174; ExAC 0.00203; 1000 Genomes Project 0.00499; 1000 Genomes Project 30x 0.00531; gnomAD 0.00601 and 0.00649; TOPMed 0.00650; ESP Exome Variant Server 0.00723.
gnomAD v4.1: 2,189 of 1,614,022 alleles (0.14%); highest among the groups gnomAD compares: African/African-American, 2.1%; 25 homozygotes.

Submissions (8):

Labcorp Genetics (formerly Invitae), Labcorp
Classification: Benign for Primary ciliary dyskinesia. Last evaluated: 2026-02-01. Review status: criteria provided, single submitter. Criteria: Invitae Variant Classification Sherloc (09022015). Collection method: clinical testing. Allele origin: germline.

Mayo Clinic Laboratories, Mayo Clinic
Classification: Benign. Last evaluated: 2024-12-20. Review status: criteria provided, single submitter. Criteria: ACMG Guidelines, 2015. Collection method: clinical testing. Allele origin: germline. Observed: 2 variant alleles.
Comment: BS1, BS2, BP4_moderate

Blueprint Genetics
Classification: Likely benign. Last evaluated: 2024-11-07. Review status: criteria provided, single submitter. Criteria: ACMG Guidelines, 2015. Collection method: clinical testing. Allele origin: germline.

ARUP Laboratories, Molecular Genetics and Genomics, ARUP Laboratories
Classification: Benign for Primary ciliary dyskinesia 13. Last evaluated: 2022-01-31. Review status: criteria provided, single submitter. Criteria: ARUP Molecular Germline Variant Investigation Process 2021. Collection method: clinical testing. Allele origin: germline.

Illumina Laboratory Services, Illumina
Classification: Likely benign for Primary ciliary dyskinesia 13. Last evaluated: 2018-01-13. Review status: criteria provided, single submitter. Criteria: ICSL Variant Classification Criteria 13 December 2019. Collection method: clinical testing. Allele origin: germline.
Comment: This variant was observed in the ICSL laboratory as part of a predisposition screen in an ostensibly healthy population. It had not been previously curated by ICSL or reported in the Human Gene Mutation Database (HGMD: prior to June 1st, 2018), and was therefore a candidate for classification through an automated scoring system. Utilizing variant allele frequency, disease prevalence and penetrance estimates, and inheritance mode, an automated score was calculated to assess if this variant is too frequent to cause the disease. Based on the score and internal cut-off values, a variant classified as likely benign is not then subjected to further curation. The score for this variant resulted in a classification of likely benign for this disease.

Ambry Genetics
Classification: Benign for Primary ciliary dyskinesia. Last evaluated: 2014-09-09. Review status: criteria provided, single submitter. Criteria: Ambry Variant Classification Scheme 2023. Collection method: clinical testing. Allele origin: germline.

Breakthrough Genomics
Classification: Likely benign. Review status: criteria provided, single submitter. Criteria: ACMG Guidelines, 2015. Collection method: not provided. Allele origin: germline. Inheritance: Autosomal recessive inheritance. Affected: yes.

PreventionGenetics, part of Exact Sciences
Classification: Benign. Review status: criteria provided, single submitter. Criteria: ACMG Guidelines, 2015. Collection method: clinical testing. Allele origin: germline.